The following is an entry in ClinVar:

ClinVar aggregate classification (germline): Uncertain significance. Review status: criteria provided, multiple submitters, no conflicts (2 of 4 stars). 6 submissions from 6 submitters: Uncertain significance (6). Last evaluated 2025-09-01.

Conditions:
Primary ciliary dyskinesia 21. Also called: CILIARY DYSKINESIA, PRIMARY, 21, WITHOUT SITUS INVERSUS. Identifiers: Orphanet 244, MedGen C3809087, MONDO:0014123, OMIM 615294.
Primary ciliary dyskinesia. Also called: Ciliary dyskinesia. Identifiers: Orphanet 244, MedGen C0008780, MONDO:0016575, HP:0012265.
Inborn genetic diseases. Identifiers: MedGen C0950123, MeSH D030342.

Allele frequency attached by ClinVar (database versions not stated): ExAC 0.00008; gnomAD exomes 0.00009 and 0.00021; TOPMed 0.00012; gnomAD 0.00014; 1000 Genomes Project 30x 0.00016; 1000 Genomes Project 0.00020; ESP Exome Variant Server 0.00023.
gnomAD v4.1: 334 of 1,613,214 alleles (0.021%); highest among the groups gnomAD compares: Non-Finnish European, 0.026%; no homozygotes.

Submissions (6):

CeGaT Center for Human Genetics Tuebingen
Classification: Uncertain significance. Last evaluated: 2025-09-01. Review status: criteria provided, single submitter. Criteria: CeGaT Center For Human Genetics Tuebingen Variant Classification Criteria Version 2. Collection method: clinical testing. Allele origin: germline. Affected: yes. Observed: 1 variant allele.
Comment: DRC1: PM2, BP4

Ambry Genetics
Classification: Uncertain significance for Inborn genetic diseases. Last evaluated: 2025-08-09. Review status: criteria provided, single submitter. Criteria: Ambry Variant Classification Scheme 2023. Collection method: clinical testing. Allele origin: germline.

Blueprint Genetics
Classification: Uncertain significance. Last evaluated: 2024-11-19. Review status: criteria provided, single submitter. Criteria: ACMG Guidelines, 2015. Collection method: clinical testing. Allele origin: germline.

Mayo Clinic Laboratories, Mayo Clinic
Classification: Uncertain significance. Last evaluated: 2024-09-04. Review status: criteria provided, single submitter. Criteria: ACMG Guidelines, 2015. Collection method: clinical testing. Allele origin: germline. Observed: 1 variant allele.
Comment: BP4

Labcorp Genetics (formerly Invitae), Labcorp
Classification: Uncertain significance for Primary ciliary dyskinesia. Last evaluated: 2022-08-10. Review status: criteria provided, single submitter. Criteria: Invitae Variant Classification Sherloc (09022015). Collection method: clinical testing. Allele origin: germline.
Comment: This sequence change replaces lysine, which is basic and polar, with threonine, which is neutral and polar, at codon 638 of the DRC1 protein (p.Lys638Thr). This variant is present in population databases (rs142671417, gnomAD 0.02%). This variant has not been reported in the literature in individuals affected with DRC1-related conditions. ClinVar contains an entry for this variant (Variation ID: 454984). Algorithms developed to predict the effect of missense changes on protein structure and function are either unavailable or do not agree on the potential impact of this missense change (SIFT: "Deleterious"; PolyPhen-2: "Benign"; Align-GVGD: "Class C0"). In summary, the available evidence is currently insufficient to determine the role of this variant in disease. Therefore, it has been classified as a Variant of Uncertain Significance.

Fulgent Genetics
Classification: Uncertain significance for Primary ciliary dyskinesia 21. Last evaluated: 2018-10-31. Review status: criteria provided, single submitter. Criteria: ACMG Guidelines, 2015. Collection method: clinical testing. Allele origin: unknown.

NM_145038.5(DRC1):c.1913A>C (p.Lys638Thr)

Gene: DRC1 (dynein regulatory complex subunit 1; plus strand). Cytogenetic location: 2p23.3.
Variant type: single nucleotide variant.
Coding change: c.1913A>C on transcript NM_145038.5 (MANE Select); coding-DNA position 1913, A replaced by C.
Protein change: p.Lys638Thr; replaces lysine 638 with threonine.
Molecular consequence: missense variant.
Genome position (GRCh38, 1-based): chr2:26,453,543, A>C. VCF-style: chr2-26453543-A-C. GRCh37 (hg19) VCF-style: chr2-26676411-A-C.
Other names: p.Lys638Thr; c.1913A>C (NM_145038.2); short protein forms K638T.
Identifiers: ClinVar variation 454984 (VCV000454984.18), dbSNP rs142671417, ClinGen allele CA1562428.